The following is an entry in ClinVar:

ClinVar aggregate classification (germline): Pathogenic (1 of 4 stars; one submission).

Conditions:
Phenylketonuria (PKU). Also called: Phenylketonuria (PKU); FOLLING DISEASE; OLIGOPHRENIA PHENYLPYRUVICA; Phenylketonurias. Identifiers: Orphanet 716, MedGen C0031485, MONDO:0009861, OMIM 261600. Disease mechanism: loss of function.

Submission:

Labcorp Genetics (formerly Invitae), Labcorp
Classification: Pathogenic for Phenylketonuria. Last evaluated: 2021-02-12. Review status: criteria provided, single submitter. Criteria: Invitae Variant Classification Sherloc (09022015). Collection method: clinical testing. Allele origin: germline.
Comment: For these reasons, this variant has been classified as Pathogenic. This variant disrupts the p.Glu182 amino acid residues in PAH. Other variant(s) that disrupt this residue have been determined to be pathogenic (PMID: 26542770, 31355225). This suggests that this residue is clinically significant, and that variants that disrupt this residue are likely to be disease-causing. This variant has not been reported in the literature in individuals with PAH-related conditions. This variant is not present in population databases (ExAC no frequency). This variant results in the deletion of part of exon 6 (c.510-21_687delinsCCA) of the PAH gene. It is expected to disrupt RNA splicing. Variants that disrupt the donor or acceptor splice site typically lead to a loss of protein function (PMID: 16199547), and loss-of-function variants in PAH are known to be pathogenic (PMID: 1301187, 9634518).

Literature cited by the submitters: PubMed 26542770; PubMed 31355225; PubMed 16199547; PubMed 1301187; PubMed 9634518.

NM_000277.3(PAH):c.510-21_687delinsCCA

Gene: PAH (phenylalanine hydroxylase; minus strand). Cytogenetic location: 12q23.2.
Variant type: Indel.
Coding change: c.510-21_687delinsCCA on transcript NM_000277.3 (MANE Select); 21 bases into the intron before coding-DNA position 510 through coding-DNA position 687, the reference bases replaced by CCA.
Molecular consequence: splice acceptor variant.
Genome position (GRCh38, 1-based): chr12:102,855,155-102,855,353, 199 bases replaced. GRCh37 (hg19): chr12:103,248,933-103,249,131.
Other names: c.510-21_687delinsCCA (NM_001354304.2).
Identifiers: ClinVar variation 1392820 (VCV001392820.6), dbSNP rs2136649216, ClinGen allele CA2573147930.